The following is an entry in ClinVar:

NM_005313.5(PDIA3):c.168-9C>T

Gene: PDIA3 (protein disulfide isomerase family A member 3; plus strand). Cytogenetic location: 15q15.3.
Variant type: single nucleotide variant.
Coding change: c.168-9C>T on transcript NM_005313.5 (MANE Select); 9 bases into the intron before coding-DNA position 168, C replaced by T.
Molecular consequence: intron variant.
Genome position (GRCh38, 1-based): chr15:43,753,815, C>T. VCF-style: chr15-43753815-C-T. GRCh37 (hg19) VCF-style: chr15-44046013-C-T.
Identifiers: ClinVar variation 714532 (VCV000714532.5), dbSNP rs78540343, ClinGen allele CA7529549.

ClinVar aggregate classification (germline): Benign. Review status: criteria provided, single submitter (1 of 4 stars). 2 submissions from 2 submitters: Benign (1). 1 of the submissions does not count toward it. Last evaluated 2018-10-01.

Conditions:
PDIA3-related disorder. Also called: PDIA3-related condition.

Allele frequency attached by ClinVar (database versions not stated): gnomAD exomes 0.00110 and 0.00317; ExAC 0.00366; gnomAD 0.01241 and 0.01300; TOPMed 0.01322; ESP Exome Variant Server 0.01455; 1000 Genomes Project 0.01997; 1000 Genomes Project 30x 0.02186.

Submissions (2):

Labcorp Genetics (formerly Invitae), Labcorp
Classification: Benign. Last evaluated: 2018-10-01. Review status: criteria provided, single submitter. Criteria: Invitae Variant Classification Sherloc (09022015). Collection method: clinical testing. Allele origin: germline.

PreventionGenetics, part of Exact Sciences
Classification: Benign for PDIA3-related condition. Last evaluated: 2019-06-06. Review status: no assertion criteria provided. Collection method: clinical testing. Allele origin: germline. Not counted in ClinVar's aggregate classification.
Comment: This variant is classified as benign based on ACMG/AMP sequence variant interpretation guidelines (Richards et al. 2015 PMID: 25741868, with internal and published modifications).